The following is an entry in ClinVar:

NM_021815.5(SLC5A7):c.625C>A (p.His209Asn)

Gene: SLC5A7 (solute carrier family 5 member 7; plus strand). Cytogenetic location: 2q12.3.
Variant type: single nucleotide variant.
Coding change: c.625C>A on transcript NM_021815.5 (MANE Select); coding-DNA position 625, C replaced by A.
Protein change: p.His209Asn; replaces histidine 209 with asparagine.
Molecular consequence: missense variant. On other transcripts: intron variant (1).
Genome position (GRCh38, 1-based): chr2:108,001,924, C>A. VCF-style: chr2-108001924-C-A. GRCh37 (hg19) VCF-style: chr2-108618380-C-A.
Other names: c.625C>A (NM_021815.4); c.625C>A, p.His209Asn (NM_001305005.3); c.310C>A, p.His104Asn (NM_001305006.3); c.-107-10C>A (NM_001305007.3); short protein forms H104N, H209N.
Identifiers: ClinVar variation 1361843 (VCV001361843.12), dbSNP rs763744412, ClinGen allele CA1819025.
Genomic context (GRCh38, chr2:108,001,924, plus strand): 5'-CGCCTAGGGCTCCAGTGTCACTTTCTGTTGCAGTGGATCAGCGTCCCCTTTGCATTGTCA[C>A]ATCCTGCAGTCGCAGACATCGGGTTCACTGCTGTGCATGCCAAATACCAAAAGCCGTGGC-3'
Protein context (NP_068587.1, residues 199-219): LWISVPFALS[His209Asn]PAVADIGFTA

ClinVar aggregate classification (germline): Uncertain significance. Review status: criteria provided, multiple submitters, no conflicts (2 of 4 stars). 4 submissions from 4 submitters: Uncertain significance (4). Last evaluated 2025-12-30.

Conditions:
Inborn genetic diseases. Identifiers: MedGen C0950123, MeSH D030342.
Neuronopathy, distal hereditary motor, type 7A. Also called: Neuronopathy, distal hereditary motor, type viia; NEURONOPATHY, DISTAL HEREDITARY MOTOR, HARDING TYPE VIIA; NEUROPATHY, DISTAL HEREDITARY MOTOR, HARDING TYPE VIIA; HARPER-YOUNG MYOPATHY; HMN VIIA; Neuronopathy, distal hereditary motor, autosomal dominant 7. Identifiers: Orphanet 139589, MedGen C1834703, MONDO:0008024, OMIM 158580.
Congenital myasthenic syndrome 20. Also called: Myasthenic syndrome, congenital, 20, presynaptic. Identifiers: MedGen C4310694, MONDO:0014939, OMIM 617143.
SLC5A7-related disorder. Also called: SLC5A7-related condition.

Allele frequency attached by ClinVar (database versions not stated): gnomAD 0.00001; ExAC 0.00008; gnomAD exomes 0.00008.
gnomAD v4.1: 23 of 1,614,048 alleles (0.0014%); highest among the groups gnomAD compares: Admixed American, 0.038%; no homozygotes.

Submissions (4):

PreventionGenetics, part of Exact Sciences
Classification: Uncertain significance for SLC5A7-related condition. Last evaluated: 2025-12-30. Review status: criteria provided, single submitter. Criteria: ACMG Guidelines, 2015. Collection method: clinical testing. Allele origin: germline.
Comment: The SLC5A7 c.625C>A variant is predicted to result in the amino acid substitution p.His209Asn. To our knowledge, this variant has not been reported in the literature. This variant is reported in 0.061% of alleles in individuals of Latino descent in gnomAD, which may be too frequent to be a primary cause of autosomal dominant disease. At this time, the clinical significance of this variant is uncertain due to the absence of conclusive functional and genetic evidence.

GeneDx
Classification: Uncertain significance. Last evaluated: 2025-10-30. Review status: criteria provided, single submitter. Criteria: GeneDx Variant Classification Process June 2021. Collection method: clinical testing. Allele origin: germline. Affected: yes.
Comment: In silico analysis supports that this missense variant does not alter protein structure/function; Has not been previously published as pathogenic or benign to our knowledge; This variant is associated with the following publications: (PMID: 25073461)

Ambry Genetics
Classification: Uncertain significance for Inborn genetic diseases. Last evaluated: 2025-07-14. Review status: criteria provided, single submitter. Criteria: Ambry Variant Classification Scheme 2023. Collection method: clinical testing. Allele origin: germline.

Labcorp Genetics (formerly Invitae), Labcorp
Classification: Uncertain significance for Neuronopathy, distal hereditary motor, type 7A; Congenital myasthenic syndrome 20. Last evaluated: 2024-07-31. Review status: criteria provided, single submitter. Criteria: Invitae Variant Classification Sherloc (09022015). Collection method: clinical testing. Allele origin: germline.
Comment: This sequence change replaces histidine, which is basic and polar, with asparagine, which is neutral and polar, at codon 209 of the SLC5A7 protein (p.His209Asn). This variant is present in population databases (rs763744412, gnomAD 0.06%). This variant has not been reported in the literature in individuals affected with SLC5A7-related conditions. ClinVar contains an entry for this variant (Variation ID: 1361843). Advanced modeling of protein sequence and biophysical properties (such as structural, functional, and spatial information, amino acid conservation, physicochemical variation, residue mobility, and thermodynamic stability) performed at Invitae indicates that this missense variant is not expected to disrupt SLC5A7 protein function with a negative predictive value of 80%. In summary, the available evidence is currently insufficient to determine the role of this variant in disease. Therefore, it has been classified as a Variant of Uncertain Significance.